The following is an entry in ClinVar:

ClinVar aggregate classification (germline): Pathogenic. Review status: reviewed by expert panel (3 of 4 stars). 18 submissions from 18 submitters: Pathogenic (1). 17 of the submissions do not count toward it. Last evaluated 2016-04-22.

Conditions:
Hereditary breast ovarian cancer syndrome. Also called: Hereditary breast and ovarian cancer syndrome; Hereditary breast and ovarian cancer; Hereditary breast and ovarian cancer syndrome (HBOC); Breast and ovarian cancer; Hereditary breast and/or ovarian cancer syndrome; BRCA1- and BRCA2-Associated Hereditary Breast and Ovarian Cancer. Identifiers: Orphanet 145, MedGen C0677776, MeSH D061325, MONDO:0003582. Disease mechanism: loss of function.
Breast-ovarian cancer, familial, susceptibility to, 2 (BROVCA2). Also called: BRCA2 Hereditary Breast and Ovarian Cancer. Identifiers: Orphanet 145, MedGen C2675520, MONDO:0012933, OMIM 612555. Disease mechanism: loss of function.
Hereditary cancer-predisposing syndrome. Also called: Neoplastic Syndromes, Hereditary; Tumor predisposition; Hereditary Cancer Syndrome; Hereditary neoplastic syndrome. Identifiers: Orphanet 140162, MedGen C0027672, MeSH D009386, MONDO:0015356.
Familial cancer of breast. Also called: BREAST CANCER, FAMILIAL; Hereditary breast cancer; hereditary breast carcinoma. Identifiers: Orphanet 227535, MedGen C0346153, MONDO:0016419, OMIM 114480. Disease mechanism: loss of function.

Allele frequency attached by ClinVar (database versions not stated): ExAC 0.00001.

Submissions 1 to 10 of 18:

Evidence-based Network for the Interpretation of Germline Mutant Alleles (ENIGMA)
Classification: Pathogenic for Breast-ovarian cancer, familial, susceptibility to, 2. Last evaluated: 2016-04-22. Review status: reviewed by expert panel. Criteria: ENIGMA BRCA1/2 Classification Criteria (2015). Collection method: curation. Allele origin: germline.
Comment: Variant allele predicted to encode a truncated non-functional protein.

Labcorp Genetics (formerly Invitae), Labcorp
Classification: Pathogenic for Hereditary breast ovarian cancer syndrome. Last evaluated: 2026-01-13. Review status: criteria provided, single submitter. Criteria: Invitae Variant Classification Sherloc (09022015). Collection method: clinical testing. Allele origin: germline. Not counted in ClinVar's aggregate classification.
Comment: This sequence change creates a premature translational stop signal (p.Thr1346Serfs*5) in the BRCA2 gene. It is expected to result in an absent or disrupted protein product. Loss-of-function variants in BRCA2 are known to be pathogenic (PMID: 20104584). This variant is not present in population databases (gnomAD no frequency). This premature translational stop signal has been observed in individual(s) with BRCA2-related conditions (PMID: 10644434, 11920621, 28993434, 30078507, 30350268, 32341426, 33558524). This variant is also known as 4265delCT. ClinVar contains an entry for this variant (Variation ID: 51584). For these reasons, this variant has been classified as Pathogenic.

Ambry Genetics
Classification: Pathogenic for Hereditary cancer-predisposing syndrome. Last evaluated: 2025-02-26. Review status: criteria provided, single submitter. Criteria: Ambry Variant Classification Scheme 2023. Collection method: clinical testing. Allele origin: germline. Not counted in ClinVar's aggregate classification.
Comment: The c.4037_4038delCT pathogenic mutation, located in coding exon 10 of the BRCA2 gene, results from a deletion of two nucleotides at nucleotide positions 4037 to 4038, causing a translational frameshift with a predicted alternate stop codon (p.T1346Sfs*5). This mutation has been reported in multiple individuals with hereditary breast and ovarian cancer (HBOC) syndrome, and is commonly described as a founder mutation in the Filipino and Malay populations (Wagner T et al. Genomics 1999 Dec;62(3):369-76; De Leon Matsuda ML et al Int. J. Cancer 2002 Apr;98(4):596-603; Thirthagiri E et al Breast Cancer Res. 2008 Jul;10(4):R59; Wen WX et al. J. Med. Genet. 2018 Feb;55(2):97-103; Li A et al. Gynecol Oncol, 2018 10;151:145-152; Ryu JM et al. Breast Cancer Res Treat, 2019 Jan;173:385-395; De Talhouet S et al. Sci Rep, 2020 04;10:7073; Moradian MM et al. Hum Genome Var, 2021 Feb;8:9). This variant is considered to be rare based on population cohorts in the Genome Aggregation Database (gnomAD). Of note, this alteration is also designated as 4265delCT in published literature. In addition to the clinical data presented in the literature, this alteration is expected to result in loss of function by premature protein truncation or nonsense-mediated mRNA decay. As such, this alteration is interpreted as a disease-causing mutation.

GeneDx
Classification: Pathogenic. Last evaluated: 2024-08-08. Review status: criteria provided, single submitter. Criteria: GeneDx Variant Classification Process June 2021. Collection method: clinical testing. Allele origin: germline. Affected: yes. Not counted in ClinVar's aggregate classification.
Comment: Frameshift variant predicted to result in protein truncation or nonsense mediated decay in a gene for which loss of function is a known mechanism of disease; Observed in individuals with a personal or family history consistent with pathogenic variants in this gene and has been described as a Filipino founder variant (PMID: 10615237, 10644434, 11920621, 15131399, 18627636); Truncating variants in this gene are considered pathogenic by a well-established clinical consortium and/or database; Not observed at significant frequency in large population cohorts (gnomAD); Also known as 4265delCT and 4265_4266delCT; This variant is associated with the following publications: (PMID: 30350268, 30078507, 10644434, 18627636, 11920621, 26187060, 17591843, 12442265, 23364291, 10615237, 15131399, 28993434, 24578176, 34645131, 37937776, 33558524, 33461583, 29922827, 36385461, 32341426, 37310942)

Women's Health and Genetics/Laboratory Corporation of America, LabCorp
Classification: Pathogenic for Hereditary breast ovarian cancer syndrome. Last evaluated: 2024-07-09. Review status: criteria provided, single submitter. Criteria: LabCorp Variant Classification Summary - May 2015. Collection method: clinical testing. Allele origin: germline. Not counted in ClinVar's aggregate classification.
Comment: Variant summary: BRCA2 c.4037_4038delCT (p.Thr1346SerfsX5), also known as 4265delCT, results in a premature termination codon, predicted to cause a truncation of the encoded protein or absence of the protein due to nonsense mediated decay, which are commonly known mechanisms for disease. The frequency data for this variant in gnomAD is considered unreliable, as metrics indicate poor data quality at this position. c.4037_4038delCT has been reported in the literature in the heterozygous state in multiple individuals affected with clinical features of Hereditary Breast And Ovarian Cancer Syndrome (example, De Leon Matsuda_2002, Thirthagiri_2008, Li_2018). To our knowledge, no experimental evidence demonstrating an impact on protein function has been reported. The following publications have been ascertained in the context of this evaluation (PMID: 11920621, 30078507, 18627636). ClinVar contains an entry for this variant (Variation ID: 51584). Based on the evidence outlined above, the variant was classified as pathogenic.

Color Diagnostics, LLC DBA Color Health
Classification: Pathogenic for Hereditary cancer-predisposing syndrome. Last evaluated: 2023-10-27. Review status: criteria provided, single submitter. Criteria: ACMG Guidelines, 2015. Collection method: clinical testing. Allele origin: germline. Not counted in ClinVar's aggregate classification.
Comment: This variant deletes 2 nucleotides in exon 11 of the BRCA2 gene, creating a frameshift and premature translation stop signal. This variant is expected to result in an absent or non-functional protein product. This variant has been reported in at least eight individuals affected with breast and/or ovarian cancer and in additional suspected hereditary breast and ovarian cancer families (PMID: 10615237, 10644434, 11920621, 15131399, 18627636, 28993434, 30078507, 30350268, 32341426, 33558524). Haplotype analysis among Filipino carriers affected with breast cancer suggests that this variant may be a founder mutation in this population (PMID: 11920621). This variant has not been identified in the general population by the Genome Aggregation Database (gnomAD). Loss of BRCA2 function is a known mechanism of disease. Based on the available evidence, this variant is classified as Pathogenic.

Baylor Genetics
Classification: Pathogenic for Familial cancer of breast. Last evaluated: 2023-05-15. Review status: criteria provided, single submitter. Criteria: ACMG Guidelines, 2015. Collection method: clinical testing. Allele origin: unknown. Not counted in ClinVar's aggregate classification.

Clinical Genetics Laboratory, Skane University Hospital Lund
Classification: Pathogenic. Last evaluated: 2023-01-03. Review status: criteria provided, single submitter. Criteria: ACMG Guidelines, 2015. Collection method: clinical testing. Allele origin: germline. Affected: yes. Not counted in ClinVar's aggregate classification.

Mayo Clinic Laboratories, Mayo Clinic
Classification: Pathogenic. Last evaluated: 2022-03-22. Review status: criteria provided, single submitter. Criteria: ACMG Guidelines, 2015. Collection method: clinical testing. Allele origin: germline. Observed: 1 variant allele. Not counted in ClinVar's aggregate classification.
Comment: PP5, PM2, PVS1

Quest Diagnostics Nichols Institute San Juan Capistrano
Classification: Pathogenic. Last evaluated: 2021-07-22. Review status: criteria provided, single submitter. Criteria: Quest Diagnostics criteria. Collection method: clinical testing. Allele origin: unknown. Not counted in ClinVar's aggregate classification.
Comment: This frameshift variant causes the premature termination of BRCA2 protein synthesis. In addition, it has been reported in individuals affected with breast and/or ovarian cancer in the published literature (PMID: 30078507 (2018), 28993434 (2018), 26187060 (2015), 18627636 (2008), 17591843 (2007), 11920621 (2002), 10644434 (1999)). Based on the available information, this variant is classified as pathogenic.

NM_000059.4(BRCA2):c.4037_4038del (p.Thr1346fs)

Gene: BRCA2 (BRCA2 DNA repair associated; plus strand). Cytogenetic location: 13q13.1.
Variant type: Deletion.
Coding change: c.4037_4038del on transcript NM_000059.4 (MANE Select); coding-DNA positions 4037 to 4038, 2 bases deleted (CT; older notation c.4037_4038delCT).
Protein change: p.Thr1346fs; shifts the reading frame from threonine 1346.
Molecular consequence: frameshift variant.
Genome position (GRCh38, 1-based): chr13:32,338,392-32,338,393, CT deleted. VCF-style (leftmost placement, unchanged base first): chr13-32338391-ACT-A. GRCh37 (hg19) VCF-style: chr13-32912528-ACT-A.
Other names: 4265_4266delCT; 4265delCT; c.4037_4038delCT (NM_000059.3).
Identifiers: ClinVar variation 51584 (VCV000051584.55), dbSNP rs80359421, ClinGen allele CA019413.